The following is an entry in ClinVar:

NM_000104.4(CYP1B1):c.431A>C (p.Gln144Pro)

Gene: CYP1B1 (cytochrome P450 family 1 subfamily B member 1; minus strand). Cytogenetic location: 2p22.2.
Variant type: single nucleotide variant.
Coding change: c.431A>C on transcript NM_000104.4 (MANE Select); coding-DNA position 431, A replaced by C.
Protein change: p.Gln144Pro; replaces glutamine 144 with proline.
Molecular consequence: missense variant.
Genome position (GRCh38, 1-based): chr2:38,074,958, T>G on the plus strand (A>C on the coding strand, the complement: CYP1B1 is on the minus strand). VCF-style: chr2-38074958-T-G. GRCh37 (hg19) VCF-style: chr2-38302101-T-G.
Other names: NM_000104.4:c.431A>C; short protein forms Q144P.
Identifiers: ClinVar variation 5018474 (VCV005018474.1).

ClinVar aggregate classification (germline): Uncertain significance (3 of 4 stars; one submission).

Conditions:
CYP1B1-related glaucoma with or without anterior segment dysgenesis. Identifiers: MedGen CN375931, MONDO:0800472.

Submission:

ClinGen Glaucoma Variant Curation Expert Panel
Classification: Uncertain significance for CYP1B1-related glaucoma with or without anterior segment dysgenesis. Last evaluated: 2026-10-12. Review status: reviewed by expert panel. Criteria: ClinGen Glaucoma ACMG Specifications CYP1B1 V2.0. Collection method: curation. Allele origin: germline. Inheritance: Autosomal recessive inheritance.
Comment: The c.431A>C variant in CYP1B1 is a missense variant predicted to cause substitution of Glutamine by Proline at amino acid 144 (p.Gln144Pro). This variant was not found in any genetic ancestry group of gnomAD (v4.1), meeting the ≤ 0.0005 threshold set for PM2_Supporting in a genetic ancestry group of at least 2,000 alleles. The REVEL score = 0.675, which was within the 0.644-0.772 range for PP3, predicting a damaging effect on CYP1B1 function. There was no functional evidence predicting a damaging or benign impact of this variant on CYP1B1 function. This variant has not been identified as homozygous or compound heterozygous with another variant in CYP1B1, therefore PM3 was not applied. In summary, this variant met the criteria to receive a score of 2 and to be classified as a variant of uncertain significance (uncertain significance classification range -1 to 5, adapted from PMID: 32720330) for CYP1B1-related glaucoma with or without anterior segment dysgenesis (ASD) based on the ACMG/AMP criteria met, as specified by the ClinGen Glaucoma VCEP (v2.0, 16.07.2026): PP3, PM2_Supporting